The following is an entry in ClinVar:

ClinVar aggregate classification (germline): Likely benign (1 of 4 stars; one submission).

Allele frequency attached by ClinVar (database versions not stated): gnomAD 0.00001; gnomAD exomes 0.00001.
gnomAD v4.1: 5 of 1,612,932 alleles (0.00031%); highest among the groups gnomAD compares: Non-Finnish European, 0.00042%; no homozygotes.

Submission:

Laboratory for Molecular Medicine, Mass General Brigham Personalized Medicine
Classification: Likely benign. Last evaluated: 2015-11-10. Review status: criteria provided, single submitter. Criteria: LMM Criteria. Collection method: clinical testing. Allele origin: germline. Observed: 1 variant allele.
Comment: p.Val666Met in exon 3 of TPRN: This variant is not expected to have clinical si gnificance due to a lack of conservation across species, including mammals. Of n ote, >10 mammals have a methionine (Met) at this position despite high nearby am ino acid conservation. In addition, computational prediction tools do not sugges t a high likelihood of impact to the protein.

NM_001128228.3(TPRN):c.1996G>A (p.Val666Met)

Gene: TPRN (taperin; minus strand). Cytogenetic location: 9q34.3.
Variant type: single nucleotide variant.
Coding change: c.1996G>A on transcript NM_001128228.3 (MANE Select); coding-DNA position 1996, G replaced by A.
Protein change: p.Val666Met; replaces valine 666 with methionine.
Molecular consequence: missense variant.
Genome position (GRCh38, 1-based): chr9:137,192,336, C>T on the plus strand (G>A on the coding strand, the complement: TPRN is on the minus strand). VCF-style: chr9-137192336-C-T. GRCh37 (hg19) VCF-style: chr9-140086788-C-T.
Other names: short protein forms V666M.
Identifiers: ClinVar variation 228024 (VCV000228024.5), dbSNP rs876657591, ClinGen allele CA10576749.
Genomic context (GRCh38, chr9:137,192,336, plus strand): 5'-GGGGCTCTGCCTCCCTCGGGGCCTGCTCCAGCGCCTGCTCCTGCCACTTGCTGAAGGCCA[C>T]AGAGTGCTTCGGGGTGTAGCTGGACAGGCCTGTGAATGGAGGTGCACATGCAGACGTGGA-3'
Protein context (NP_001121700.2, residues 656-676): GLSSYTPKHS[Val666Met]AFSKWQEQAL